The following is an entry in ClinVar:

ClinVar aggregate classification (germline): Uncertain significance (1 of 4 stars; one submission).

Conditions:
Primary ciliary dyskinesia. Also called: Ciliary dyskinesia. Identifiers: Orphanet 244, MedGen C0008780, MONDO:0016575, HP:0012265.

Submission:

Ambry Genetics
Classification: Uncertain significance for Primary ciliary dyskinesia. Last evaluated: 2018-08-30. Review status: criteria provided, single submitter. Criteria: Ambry Variant Classification Scheme 2023. Collection method: clinical testing. Allele origin: germline.
Comment: The c.3112_3113delACinsGT variant, located in coding exon 16 of the DNAH11 gene, results from an in-frame deletion of AC and insertion of GT at nucleotide positions 3112 to 3113. This results in the substitution of the threonine residue for a valine residue at codon 1038, an amino acid with similar properties. This amino acid position is not well conserved in available vertebrate species. Since supporting evidence is limited at this time, the clinical significance of this alteration remains unclear.

NM_001277115.2(DNAH11):c.3112_3113inv (p.Thr1038Val)

Genes: DNAH11 (dynein axonemal heavy chain 11; plus strand), LOC126859961 (BRD4-independent group 4 enhancer GRCh37_chr7:21639662-21640861; plus strand). Cytogenetic location: 7p15.3.
Variant type: Inversion.
Coding change: c.3112_3113inv on transcript NM_001277115.2 (MANE Select).
Protein change: p.Thr1038Val; replaces threonine 1038 with valine.
Molecular consequence: missense variant.
Genome position: GRCh38 VCF-style: chr7-21600787-AC-GT. GRCh37 (hg19) VCF-style: chr7-21640405-AC-GT.
Other names: c.3112_3113invAC, p.Thr1038Val (NM_003777.3); short protein forms T1038V.
Identifiers: ClinVar variation 1727759 (VCV001727759.2), ClinGen allele CA2580076916.